The following is an entry in ClinVar:

ClinVar aggregate classification (germline): Uncertain significance (1 of 4 stars; one submission).

gnomAD v4.1: 1 of 1,485,748 alleles (0.000067%); highest among the groups gnomAD compares: Non-Finnish European, 0.000089%; no homozygotes.

Submission:

Labcorp Genetics (formerly Invitae), Labcorp
Classification: Uncertain significance. Last evaluated: 2024-09-05. Review status: criteria provided, single submitter. Criteria: Invitae Variant Classification Sherloc (09022015). Collection method: clinical testing. Allele origin: germline.
Comment: This sequence change replaces arginine, which is basic and polar, with histidine, which is basic and polar, at codon 393 of the HEPACAM protein (p.Arg393His). This variant is not present in population databases (gnomAD no frequency). This variant has not been reported in the literature in individuals affected with HEPACAM-related conditions. ClinVar contains an entry for this variant (Variation ID: 1974880). An algorithm developed to predict the effect of missense changes on protein structure and function outputs the following: PolyPhen-2: "Benign". The histidine amino acid residue is found in multiple mammalian species, which suggests that this missense change does not adversely affect protein function. In summary, the available evidence is currently insufficient to determine the role of this variant in disease. Therefore, it has been classified as a Variant of Uncertain Significance.

NM_152722.5(HEPACAM):c.1178G>A (p.Arg393His)

Gene: HEPACAM (hepatic and glial cell adhesion molecule; minus strand). Cytogenetic location: 11q24.2.
Variant type: single nucleotide variant.
Coding change: c.1178G>A on transcript NM_152722.5 (MANE Select); coding-DNA position 1178, G replaced by A.
Protein change: p.Arg393His; replaces arginine 393 with histidine.
Molecular consequence: missense variant.
Genome position (GRCh38, 1-based): chr11:124,921,211, C>T on the plus strand (G>A on the coding strand, the complement: HEPACAM is on the minus strand). VCF-style: chr11-124921211-C-T. GRCh37 (hg19) VCF-style: chr11-124791107-C-T.
Other names: c.1334G>A, p.Arg445His (NM_001411043.1); short protein forms R393H, R445H.
Identifiers: ClinVar variation 1974880 (VCV001974880.5), dbSNP rs1015450186, ClinGen allele CA383137285.